The following is an entry in ClinVar:

ClinVar aggregate classification (germline): Likely benign. Review status: criteria provided, multiple submitters, no conflicts (2 of 4 stars). 3 submissions from 3 submitters: Likely benign (3). Last evaluated 2025-10-02.

Conditions:
Cardiovascular phenotype. Identifiers: MedGen CN230736.
Long QT syndrome (LQTS). Identifiers: MedGen C0023976, MeSH D008133, MONDO:0002442. Disease mechanism: loss of function. Inheritance: Various modes of inheritance.

Allele frequency attached by ClinVar (database versions not stated): TOPMed 0.00002; gnomAD exomes below 0.00001 and 0.00001; gnomAD 0.00002.
gnomAD v4.1: 16 of 1,613,572 alleles (0.00099%); highest among the groups gnomAD compares: African/African-American, 0.0013%; no homozygotes.

Submissions (3):

Labcorp Genetics (formerly Invitae), Labcorp
Classification: Likely benign for Long QT syndrome. Last evaluated: 2025-10-02. Review status: criteria provided, single submitter. Criteria: Invitae Variant Classification Sherloc (09022015). Collection method: clinical testing. Allele origin: germline.

CeGaT Center for Human Genetics Tuebingen
Classification: Likely benign. Last evaluated: 2023-09-01. Review status: criteria provided, single submitter. Criteria: CeGaT Center For Human Genetics Tuebingen Variant Classification Criteria Version 2. Collection method: clinical testing. Allele origin: germline. Affected: yes. Observed: 1 variant allele.
Comment: CACNA1C: BP4, BP7

Ambry Genetics
Classification: Likely benign for Cardiovascular phenotype. Last evaluated: 2022-04-23. Review status: criteria provided, single submitter. Criteria: Ambry Variant Classification Scheme 2023. Collection method: clinical testing. Allele origin: germline.

NM_000719.7(CACNA1C):c.5217C>T (p.Asp1739=)

Genes: CACNA1C (calcium voltage-gated channel subunit alpha1 C; plus strand), CACNA1C-AS1 (CACNA1C antisense RNA 1; minus strand). Cytogenetic location: 12p13.33.
Variant type: single nucleotide variant.
Coding change: c.5217C>T on transcript NM_000719.7 (MANE Select); coding-DNA position 5217, C replaced by T.
Protein change: p.Asp1739=; no amino-acid change (aspartic acid 1739 retained).
Molecular consequence: synonymous variant.
Genome position (GRCh38, 1-based): chr12:2,679,569, C>T. VCF-style: chr12-2679569-C-T. GRCh37 (hg19) VCF-style: chr12-2788735-C-T.
Other names: c.5361C>T, p.Asp1787= (NM_001129827.2, NM_199460.4); c.5340C>T, p.Asp1780= (NM_001129829.2); c.5217C>T, p.Asp1739= (NM_001129830.3, NM_001129840.2, NM_001129841.2 and 4 more transcripts); c.5301C>T, p.Asp1767= (NM_001129831.2); c.5277C>T, p.Asp1759= (NM_001129832.2); c.5274C>T, p.Asp1758= (NM_001129833.2, NM_001129834.2, NM_001129835.2); c.5268C>T, p.Asp1756= (NM_001129836.2); c.5241C>T, p.Asp1747= (NM_001129837.2, NM_001129838.2); and 3 more.
Identifiers: ClinVar variation 219519 (VCV000219519.38), dbSNP rs864622139, ClinGen allele CA348391.